The following is an entry in ClinVar:

NM_000019.4(ACAT1):c.628G>T (p.Glu210Ter)

Gene: ACAT1 (acetyl-CoA acetyltransferase 1; plus strand). Cytogenetic location: 11q22.3.
Variant type: single nucleotide variant.
Coding change: c.628G>T on transcript NM_000019.4 (MANE Select); coding-DNA position 628, G replaced by T.
Protein change: p.Glu210Ter; replaces glutamic acid 210 with a stop codon.
Molecular consequence: nonsense. On other transcripts: non-coding transcript variant (2).
Genome position (GRCh38, 1-based): chr11:108,140,113, G>T. VCF-style: chr11-108140113-G-T. GRCh37 (hg19) VCF-style: chr11-108010840-G-T.
Other names: c.628G>T, p.Glu210Ter (NM_001386677.1); c.313G>T, p.Glu105Ter (NM_001386678.1); c.331G>T, p.Glu111Ter (NM_001386679.1); c.358G>T, p.Glu120Ter (NM_001386681.1, NM_001386682.1, NM_001386685.1 and 6 more transcripts); short protein forms E120*, E111*, E105*, E210*.
Identifiers: ClinVar variation 2813750 (VCV002813750.3), dbSNP rs2496621741, ClinGen allele CA382507480.

ClinVar aggregate classification (germline): Pathogenic (1 of 4 stars; one submission).

Conditions:
Deficiency of acetyl-CoA acetyltransferase. Also called: 3-KETOTHIOLASE DEFICIENCY; 3-OXOTHIOLASE DEFICIENCY; Beta-ketothiolase deficiency; MITOCHONDRIAL ACETOACETYL-CoA THIOLASE DEFICIENCY. Identifiers: Orphanet 134, MedGen C1536500, MONDO:0008760, OMIM 203750. Disease mechanism: loss of function.

Submission:

Labcorp Genetics (formerly Invitae), Labcorp
Classification: Pathogenic for Deficiency of acetyl-CoA acetyltransferase. Last evaluated: 2022-11-12. Review status: criteria provided, single submitter. Criteria: Invitae Variant Classification Sherloc (09022015). Collection method: clinical testing. Allele origin: germline.
Comment: This sequence change creates a premature translational stop signal (p.Glu210*) in the ACAT1 gene. It is expected to result in an absent or disrupted protein product. Loss-of-function variants in ACAT1 are known to be pathogenic (PMID: 7749408). This variant is not present in population databases (gnomAD no frequency). This variant has not been reported in the literature in individuals affected with ACAT1-related conditions. For these reasons, this variant has been classified as Pathogenic.

Literature cited by the submitters: PubMed 7749408.